The following is an entry in ClinVar:

NM_030957.4(ADAMTS10):c.1084+18G>C

Gene: ADAMTS10 (ADAM metallopeptidase with thrombospondin type 1 motif 10; minus strand). Cytogenetic location: 19p13.2.
Variant type: single nucleotide variant.
Coding change: c.1084+18G>C on transcript NM_030957.4 (MANE Select); 18 bases into the intron after coding-DNA position 1084, G replaced by C.
Molecular consequence: intron variant.
Genome position (GRCh38, 1-based): chr19:8,596,524, C>G on the plus strand (G>C on the coding strand, the complement: ADAMTS10 is on the minus strand). VCF-style: chr19-8596524-C-G. GRCh37 (hg19) VCF-style: chr19-8661408-C-G.
Identifiers: ClinVar variation 1923159 (VCV001923159.2), dbSNP rs782788893, ClinGen allele CA9160643.

ClinVar aggregate classification (germline): Uncertain significance (1 of 4 stars; one submission).

Allele frequency attached by ClinVar (database versions not stated): ExAC 0.00001; gnomAD 0.00004; TOPMed 0.00004.
gnomAD v4.1: 7 of 1,613,910 alleles (0.00043%); highest among the groups gnomAD compares: African/African-American, 0.0053%; no homozygotes.

Submission:

Labcorp Genetics (formerly Invitae), Labcorp
Classification: Uncertain significance. Last evaluated: 2022-06-22. Review status: criteria provided, single submitter. Criteria: Invitae Variant Classification Sherloc (09022015). Collection method: clinical testing. Allele origin: germline.
Comment: This sequence change falls in intron 9 of the ADAMTS10 gene. It does not directly change the encoded amino acid sequence of the ADAMTS10 protein. This variant is present in population databases (rs782788893, gnomAD 0.007%). This variant has not been reported in the literature in individuals affected with ADAMTS10-related conditions. Algorithms developed to predict the effect of sequence changes on RNA splicing suggest that this variant may disrupt the consensus splice site. In summary, the available evidence is currently insufficient to determine the role of this variant in disease. Therefore, it has been classified as a Variant of Uncertain Significance.